The following is an entry in ClinVar:

ClinVar aggregate classification (germline): Uncertain significance. Review status: criteria provided, multiple submitters, no conflicts (2 of 4 stars). 2 submissions from 2 submitters: Uncertain significance (2). Last evaluated 2023-11-08.

Conditions:
Hereditary cancer-predisposing syndrome. Also called: Neoplastic Syndromes, Hereditary; Hereditary neoplastic syndrome; Tumor predisposition; Hereditary Cancer Syndrome. Identifiers: Orphanet 140162, MedGen C0027672, MeSH D009386, MONDO:0015356.

Allele frequency attached by ClinVar (database versions not stated): gnomAD 0.00001; gnomAD exomes 0.00001 and 0.00002; ExAC 0.00005.
gnomAD v4.1: 12 of 1,606,754 alleles (0.00075%); highest among the groups gnomAD compares: South Asian, 0.0011%; no homozygotes.

Submissions (2):

Labcorp Genetics (formerly Invitae), Labcorp
Classification: Uncertain significance for Hereditary cancer-predisposing syndrome. Last evaluated: 2023-11-08. Review status: criteria provided, single submitter. Criteria: Invitae Variant Classification Sherloc (09022015). Collection method: clinical testing. Allele origin: germline.
Comment: This sequence change falls in intron 8 of the RAD50 gene. It does not directly change the encoded amino acid sequence of the RAD50 protein. It affects a nucleotide within the consensus splice site. This variant is present in population databases (rs776276760, gnomAD 0.004%). This variant has not been reported in the literature in individuals affected with RAD50-related conditions. ClinVar contains an entry for this variant (Variation ID: 240209). Variants that disrupt the consensus splice site are a relatively common cause of aberrant splicing (PMID: 17576681, 9536098). RNA analysis performed to evaluate the impact of this variant on mRNA splicing indicates it does not significantly alter splicing (Invitae). In summary, the available evidence is currently insufficient to determine the role of this variant in disease. Therefore, it has been classified as a Variant of Uncertain Significance.

Ambry Genetics
Classification: Uncertain significance for Hereditary cancer-predisposing syndrome. Last evaluated: 2017-05-08. Review status: criteria provided, single submitter. Criteria: Ambry Variant Classification Scheme 2023. Collection method: clinical testing. Allele origin: germline.
Comment: The c.1245+2C>G intronic variant results from a C to G substitution two nucleotides after coding exon 8 in the RAD50 gene. This nucleotide position is conserved through primates but not in all available vertebrate species. The BDGP and ESEfinder splice site prediction tools do not produce a reliable prediction for the nearby native splice donor site. The HSF splice site prediction tool does not predict any significant impact on the native splice donor site. Since supporting evidence is limited at this time, the clinical significance of this alteration remains unclear.

Literature cited by the submitters: PubMed 17576681 (cited by Labcorp Genetics (formerly Invitae), Labcorp); PubMed 9536098 (cited by Labcorp Genetics (formerly Invitae), Labcorp).

NM_005732.4(RAD50):c.1245+2C>G

Gene: RAD50 (RAD50 double strand break repair protein; plus strand). Cytogenetic location: 5q31.1.
Variant type: single nucleotide variant.
Coding change: c.1245+2C>G on transcript NM_005732.4 (MANE Select); the canonical splice donor site of the intron after coding-DNA position 1245, C replaced by G.
Molecular consequence: splice donor variant.
Genome position (GRCh38, 1-based): chr5:132,588,882, C>G. VCF-style: chr5-132588882-C-G. GRCh37 (hg19) VCF-style: chr5-131924574-C-G.
Identifiers: ClinVar variation 240209 (VCV000240209.12), dbSNP rs776276760, ClinGen allele CA3405131.